The following is an entry in ClinVar:

NM_001626.6(AKT2):c.1040G>A (p.Arg347His)

Gene: AKT2 (AKT serine/threonine kinase 2; minus strand). Cytogenetic location: 19q13.2.
Variant type: single nucleotide variant.
Coding change: c.1040G>A on transcript NM_001626.6 (MANE Select); coding-DNA position 1040, G replaced by A.
Protein change: p.Arg347His; replaces arginine 347 with histidine.
Molecular consequence: missense variant.
Genome position (GRCh38, 1-based): chr19:40,236,025, C>T on the plus strand (G>A on the coding strand, the complement: AKT2 is on the minus strand). VCF-style: chr19-40236025-C-T. GRCh37 (hg19) VCF-style: chr19-40741932-C-T.
Other names: c.854G>A, p.Arg285His (NM_001243027.3, NM_001243028.3); c.911G>A, p.Arg304His (NM_001330511.1); short protein forms R285H, R304H, R347H.
Identifiers: ClinVar variation 2419701 (VCV002419701.16), dbSNP rs202125073, ClinGen allele CA308376418.

ClinVar aggregate classification (germline): Uncertain significance (1 of 4 stars; one submission).

Conditions:
Type 2 diabetes mellitus. Also called: Type II diabetes mellitus. Identifiers: MedGen C0011860, MeSH D003924, MONDO:0005148, OMIM 125853, HP:0005978.
Hypoinsulinemic hypoglycemia and body hemihypertrophy. Also called: Hypoinsulinemic hypoglycemia and hemihypertrophy. Identifiers: Orphanet 293964, MedGen C3278384, MONDO:0009416, OMIM 240900.

Allele frequency attached by ClinVar (database versions not stated): gnomAD exomes below 0.00001; gnomAD 0.00001; 1000 Genomes Project 30x 0.00016; 1000 Genomes Project 0.00020.
gnomAD v4.1: 7 of 1,614,116 alleles (0.00043%); highest among the groups gnomAD compares: East Asian, 0.0022%; no homozygotes.

Submission:

Labcorp Genetics (formerly Invitae), Labcorp
Classification: Uncertain significance for Hypoinsulinemic hypoglycemia and body hemihypertrophy; Type 2 diabetes mellitus. Last evaluated: 2022-03-01. Review status: criteria provided, single submitter. Criteria: Invitae Variant Classification Sherloc (09022015). Collection method: clinical testing. Allele origin: germline.
Comment: In summary, the available evidence is currently insufficient to determine the role of this variant in disease. Therefore, it has been classified as a Variant of Uncertain Significance. This sequence change replaces arginine, which is basic and polar, with histidine, which is basic and polar, at codon 347 of the AKT2 protein (p.Arg347His). This variant is not present in population databases (gnomAD no frequency). This variant has not been reported in the literature in individuals affected with AKT2-related conditions. Algorithms developed to predict the effect of missense changes on protein structure and function are either unavailable or do not agree on the potential impact of this missense change (SIFT: "Deleterious"; PolyPhen-2: "Benign"; Align-GVGD: "Class C25").